The following is an entry in ClinVar:

ClinVar aggregate classification (germline): Uncertain significance (1 of 4 stars; one submission).

Conditions:
Congenital contractural arachnodactyly (CCA). Also called: Arthrogryposis, distal, type 9; BEALS SYNDROME; Beals-Hecht syndrome. Identifiers: Orphanet 115, MedGen C0220668, MONDO:0007363, OMIM 121050.

Allele frequency attached by ClinVar (database versions not stated): TOPMed below 0.00001.

Submission:

Labcorp Genetics (formerly Invitae), Labcorp
Classification: Uncertain significance for Congenital contractural arachnodactyly. Last evaluated: 2022-02-11. Review status: criteria provided, single submitter. Criteria: Invitae Variant Classification Sherloc (09022015). Collection method: clinical testing. Allele origin: germline.
Comment: This sequence change replaces lysine, which is basic and polar, with threonine, which is neutral and polar, at codon 2772 of the FBN2 protein (p.Lys2772Thr). This variant is not present in population databases (gnomAD no frequency). This variant has not been reported in the literature in individuals affected with FBN2-related conditions. Advanced modeling of protein sequence and biophysical properties (such as structural, functional, and spatial information, amino acid conservation, physicochemical variation, residue mobility, and thermodynamic stability) performed at Invitae indicates that this missense variant is not expected to disrupt FBN2 protein function. In summary, the available evidence is currently insufficient to determine the role of this variant in disease. Therefore, it has been classified as a Variant of Uncertain Significance.

NM_001999.4(FBN2):c.8315A>C (p.Lys2772Thr)

Gene: FBN2 (fibrillin 2; minus strand). Cytogenetic location: 5q23.3.
Variant type: single nucleotide variant.
Coding change: c.8315A>C on transcript NM_001999.4 (MANE Select); coding-DNA position 8315, A replaced by C.
Protein change: p.Lys2772Thr; replaces lysine 2772 with threonine.
Molecular consequence: missense variant.
Genome position (GRCh38, 1-based): chr5:128,261,785, T>G on the plus strand (A>C on the coding strand, the complement: FBN2 is on the minus strand). VCF-style: chr5-128261785-T-G. GRCh37 (hg19) VCF-style: chr5-127597477-T-G.
Other names: short protein forms K2772T.
Identifiers: ClinVar variation 1481665 (VCV001481665.6), dbSNP rs1308073420, ClinGen allele CA360747288.